The following is an entry in ClinVar:

ClinVar aggregate classification (germline): Uncertain significance (1 of 4 stars; one submission).

Conditions:
Cardiac arrhythmia. Also called: Arrhythmia; Cardiac rhythm disease. Identifiers: MedGen C0003811, MONDO:0007263, HP:0011675.

Submission:

Petrovsky National Research Centre of Surgery, The Federal Agency for Scientific Organizations
Classification: Uncertain significance for Cardiac arrhythmia. Last evaluated: 2025-11-18. Review status: criteria provided, single submitter. Criteria: ACMG Guidelines, 2015. Collection method: clinical testing. Allele origin: germline. Affected: yes.
Comment: The variant is present in The Genome Aggregation Database (gnomAD) v4.1.0 with a total MAF of 0.000001869. In accordance with ACMG (2015) criteria, this variant is classified as Variant of Uncertain Significance (Class III) with the following criteria applied: PM2, PM4.

NM_022114.4(PRDM16):c.2393_2395del (p.Gly798del)

Gene: PRDM16 (PR/SET domain 16; plus strand). Cytogenetic location: 1p36.32.
Variant type: Deletion.
Coding change: c.2393_2395del on transcript NM_022114.4 (MANE Select); coding-DNA positions 2393 to 2395, 3 bases deleted (GCG; older notation c.2393_2395delGCG).
Protein change: p.Gly798del; deletes glycine 798.
Genome position (GRCh38, 1-based): chr1:3,412,590-3,412,592, GCG deleted; deleting any 3 consecutive bases within chr1:3,412,588-3,412,592 gives the same sequence; the c. name uses the placement nearest the transcript's 3' end. VCF-style (leftmost placement, unchanged base first): chr1-3412587-CCGG-C. GRCh37 (hg19) VCF-style: chr1-3329151-CCGG-C.
Other names: c.2393_2395del, p.Gly798del (NM_199454.3); short protein forms G798del.
Identifiers: ClinVar variation 4530675 (VCV004530675.1).